The following is an entry in ClinVar:

NM_001369.3(DNAH5):c.13432_13435del (p.His4478fs)

Gene: DNAH5 (dynein axonemal heavy chain 5; minus strand). Cytogenetic location: 5p15.2.
Variant type: Deletion.
Coding change: c.13432_13435del on transcript NM_001369.3 (MANE Select); coding-DNA positions 13432 to 13435, 4 bases deleted (CACT; older notation c.13432_13435delCACT).
Protein change: p.His4478fs; shifts the reading frame from histidine 4478.
Molecular consequence: frameshift variant.
Genome position (GRCh38, 1-based): chr5:13,701,340-13,701,343, AGTG deleted on the plus strand (CACT on the coding strand, the reverse complement: DNAH5 is on the minus strand); deleting any 4 consecutive bases within chr5:13,701,340-13,701,345 gives the same sequence; the c. name uses the placement nearest the transcript's 3' end. VCF-style (leftmost placement, unchanged base first): chr5-13701339-CAGTG-C. GRCh37 (hg19) VCF-style: chr5-13701448-CAGTG-C.
Other names: c.13432_13435delCACT (NM_001369.2); short protein forms H4478fs.
Identifiers: ClinVar variation 656057 (VCV000656057.7), dbSNP rs760742856, ClinGen allele CA3201368.

ClinVar aggregate classification (germline): Pathogenic (1 of 4 stars; one submission).

Conditions:
Primary ciliary dyskinesia. Also called: Ciliary dyskinesia. Identifiers: Orphanet 244, MedGen C0008780, MONDO:0016575, HP:0012265.

Submission:

Labcorp Genetics (formerly Invitae), Labcorp
Classification: Pathogenic for Primary ciliary dyskinesia. Last evaluated: 2023-12-21. Review status: criteria provided, single submitter. Criteria: Invitae Variant Classification Sherloc (09022015). Collection method: clinical testing. Allele origin: germline.
Comment: This sequence change creates a premature translational stop signal (p.His4478Alafs*4) in the DNAH5 gene. It is expected to result in an absent or disrupted protein product. Loss-of-function variants in DNAH5 are known to be pathogenic (PMID: 11788826, 16627867). This variant is present in population databases (rs760742856, gnomAD 0.002%). This premature translational stop signal has been observed in individual(s) with clinical features of primary ciliary dyskinesia (PMID: 30148830). This variant is also known as p.His4478Alafs3*. ClinVar contains an entry for this variant (Variation ID: 656057). For these reasons, this variant has been classified as Pathogenic.

Literature cited by the submitters: PubMed 11788826; PubMed 16627867; PubMed 30148830.